The following is an entry in ClinVar:

NM_000138.5(FBN1):c.4425del (p.Tyr1476fs)

Gene: FBN1 (fibrillin 1; minus strand). Cytogenetic location: 15q21.1.
Variant type: Deletion.
Coding change: c.4425del on transcript NM_000138.5 (MANE Select); coding-DNA position 4425, one base deleted (C; older notation c.4425delC).
Protein change: p.Tyr1476fs; shifts the reading frame from tyrosine 1476.
Molecular consequence: frameshift variant.
Genome position (GRCh38, 1-based): chr15:48,470,668, G deleted on the plus strand (C on the coding strand, the reverse complement: FBN1 is on the minus strand). VCF-style (leftmost placement, unchanged base first): chr15-48470667-AG-A. GRCh37 (hg19) VCF-style: chr15-48762864-AG-A.
Other names: c.4425delC (NM_000138.4); short protein forms Y1476fs.
Identifiers: ClinVar variation 200161 (VCV000200161.2), dbSNP rs794728309, ClinGen allele CA015046.

ClinVar aggregate classification (germline): Pathogenic (1 of 4 stars; one submission).

Submission:

GeneDx
Classification: Pathogenic. Last evaluated: 2013-03-14. Review status: criteria provided, single submitter. Criteria: GeneDx Variant Classification (06012015). Collection method: clinical testing. Allele origin: germline. Affected: yes.
Comment: Although the c.4425delC mutation in the FBN1 gene has not been reported to our knowledge, this mutation causes a shift in reading frame starting at codon Tyrosine 1476, changing it to a Threonine, and creating a premature stop codon at position 13 of the new reading frame, denoted p.Tyr1476ThrfsX13. This mutation is expected to result in either an abnormal, truncated protein product or loss of protein from this allele through nonsense-mediated mRNA decay. Other frameshift mutations in the FBN1gene have been reported in association with Marfan syndrome. In summary, c.4425delC in the FBN1 gene is interpreted as a disease-causing mutation.